The following is an entry in ClinVar:

NM_133497.4(KCNV2):c.913G>A (p.Val305Met)

Gene: KCNV2 (potassium voltage-gated channel modifier subfamily V member 2; plus strand). Cytogenetic location: 9p24.2.
Variant type: single nucleotide variant.
Coding change: c.913G>A on transcript NM_133497.4 (MANE Select); coding-DNA position 913, G replaced by A.
Protein change: p.Val305Met; replaces valine 305 with methionine.
Molecular consequence: missense variant.
Genome position (GRCh38, 1-based): chr9:2,718,652, G>A. VCF-style: chr9-2718652-G-A. GRCh37 (hg19) VCF-style: chr9-2718652-G-A.
Other names: short protein forms V305M.
Identifiers: ClinVar variation 862171 (VCV000862171.7), dbSNP rs371248089, ClinGen allele CA4965678.

ClinVar aggregate classification (germline): Uncertain significance. Review status: criteria provided, multiple submitters, no conflicts (2 of 4 stars). 3 submissions from 3 submitters: Uncertain significance (3). Last evaluated 2025-10-22.

Conditions:
Inborn genetic diseases. Identifiers: MedGen C0950123, MeSH D030342.

Allele frequency attached by ClinVar (database versions not stated): gnomAD 0.00003 and 0.00004; TOPMed 0.00003; ESP Exome Variant Server 0.00008.
gnomAD v4.1: 93 of 1,613,212 alleles (0.0058%); highest among the groups gnomAD compares: Non-Finnish European, 0.0078%; no homozygotes.

Submissions (3):

Ambry Genetics
Classification: Uncertain significance for Inborn genetic diseases. Last evaluated: 2025-10-22. Review status: criteria provided, single submitter. Criteria: Ambry Variant Classification Scheme 2023. Collection method: clinical testing. Allele origin: germline.

Blueprint Genetics
Classification: Uncertain significance. Last evaluated: 2022-06-23. Review status: criteria provided, single submitter. Criteria: ACMG Guidelines, 2015. Collection method: clinical testing. Allele origin: germline.

Labcorp Genetics (formerly Invitae), Labcorp
Classification: Uncertain significance. Last evaluated: 2022-03-10. Review status: criteria provided, single submitter. Criteria: Invitae Variant Classification Sherloc (09022015). Collection method: clinical testing. Allele origin: germline.
Comment: This sequence change replaces valine, which is neutral and non-polar, with methionine, which is neutral and non-polar, at codon 305 of the KCNV2 protein (p.Val305Met). This variant is present in population databases (rs371248089, gnomAD 0.005%). This variant has not been reported in the literature in individuals affected with KCNV2-related conditions. ClinVar contains an entry for this variant (Variation ID: 862171). Algorithms developed to predict the effect of missense changes on protein structure and function are either unavailable or do not agree on the potential impact of this missense change (SIFT: "Deleterious"; PolyPhen-2: "Possibly Damaging"; Align-GVGD: "Class C0"). In summary, the available evidence is currently insufficient to determine the role of this variant in disease. Therefore, it has been classified as a Variant of Uncertain Significance.